The following is an entry in ClinVar:

ClinVar aggregate classification (germline): Uncertain significance (1 of 4 stars; one submission).

gnomAD v4.1: 1 of 1,614,230 alleles (0.000062%); highest among the groups gnomAD compares: Non-Finnish European, 0.000085%; no homozygotes.

Submission:

Ambry Genetics
Classification: Uncertain significance. Last evaluated: 2024-04-25. Review status: criteria provided, single submitter. Criteria: Ambry Variant Classification Scheme 2023. Collection method: clinical testing. Allele origin: germline.
Comment: The p.D246Y variant (also known as c.736G>T), located in coding exon 3 of the ALPK2 gene, results from a G to T substitution at nucleotide position 736. The aspartic acid at codon 246 is replaced by tyrosine, an amino acid with highly dissimilar properties. This amino acid position is conserved. In addition, this alteration is predicted to be tolerated by in silico analysis. Based on the available evidence, the clinical significance of this variant remains unclear.

NM_052947.4(ALPK2):c.736G>T (p.Asp246Tyr)

Genes: ALPK2 (alpha kinase 2; minus strand), LOC114803473 (ALPK2 eExon liver enhancer; plus strand). Cytogenetic location: 18q21.31.
Variant type: single nucleotide variant.
Coding change: c.736G>T on transcript NM_052947.4 (MANE Select); coding-DNA position 736, G replaced by T.
Protein change: p.Asp246Tyr; replaces aspartic acid 246 with tyrosine.
Molecular consequence: missense variant.
Genome position (GRCh38, 1-based): chr18:58,580,040, C>A on the plus strand (G>T on the coding strand, the complement: ALPK2 is on the minus strand). VCF-style: chr18-58580040-C-A. GRCh37 (hg19) VCF-style: chr18-56247272-C-A.
Other names: short protein forms D246Y.
Identifiers: ClinVar variation 3289164 (VCV003289164.1).